The following is an entry in ClinVar:

NM_001379500.1(COL18A1):c.2478G>A (p.Pro826=)

Gene: COL18A1 (collagen type XVIII alpha 1 chain; plus strand). Cytogenetic location: 21q22.3.
Variant type: single nucleotide variant.
Coding change: c.2478G>A on transcript NM_001379500.1 (MANE Select); coding-DNA position 2478, G replaced by A.
Protein change: p.Pro826=; no amino-acid change (proline 826 retained).
Molecular consequence: synonymous variant.
Genome position (GRCh38, 1-based): chr21:45,495,402, G>A. VCF-style: chr21-45495402-G-A. GRCh37 (hg19) VCF-style: chr21-46915316-G-A.
Other names: NM_130445.2:c.2478G>A; c.3018G>A (NM_030582.3); c.3018G>A, p.Pro1006= (NM_030582.4); c.3723G>A, p.Pro1241= (NM_130444.3).
Identifiers: ClinVar variation 340247 (VCV000340247.16), dbSNP rs369390092, ClinGen allele CA10067115.

ClinVar aggregate classification (germline): Conflicting classifications of pathogenicity. Review status: criteria provided, conflicting classifications (1 of 4 stars). 4 submissions from 4 submitters: Uncertain significance (1); Benign (1); Likely benign (1). 1 of the submissions does not count toward it. Last evaluated 2026-01-05.

Conditions:
COL18A1-related disorder. Also called: COL18A1-related disorders; COL18A1-related condition.
Knobloch syndrome (KNO). Also called: RETINAL DETACHMENT AND OCCIPITAL ENCEPHALOCELE; Myopia retinal detachment encephalocele. Identifiers: Orphanet 1571, MedGen C1849409, MONDO:0800166.

Allele frequency attached by ClinVar (database versions not stated): gnomAD exomes 0.00009 and 0.00021; ExAC 0.00027; ESP Exome Variant Server 0.00033; gnomAD 0.00065 and 0.00071; 1000 Genomes Project 30x 0.00078; 1000 Genomes Project 0.00080; TOPMed 0.00085.
gnomAD v4.1: 243 of 1,611,526 alleles (0.015%); highest among the groups gnomAD compares: African/African-American, 0.18%; no homozygotes.

Submissions (4):

Labcorp Genetics (formerly Invitae), Labcorp
Classification: Benign. Last evaluated: 2026-01-05. Review status: criteria provided, single submitter. Criteria: Invitae Variant Classification Sherloc (09022015). Collection method: clinical testing. Allele origin: germline.

Blueprint Genetics
Classification: Likely benign. Last evaluated: 2023-09-13. Review status: criteria provided, single submitter. Criteria: ACMG Guidelines, 2015. Collection method: clinical testing. Allele origin: germline.

Illumina Laboratory Services, Illumina
Classification: Uncertain significance for Knobloch syndrome 1. Last evaluated: 2018-01-12. Review status: criteria provided, single submitter. Criteria: ICSL Variant Classification Criteria 13 December 2019. Collection method: clinical testing. Allele origin: germline.

PreventionGenetics, part of Exact Sciences
Classification: Likely benign for COL18A1-related condition. Last evaluated: 2020-03-18. Review status: no assertion criteria provided. Collection method: clinical testing. Allele origin: germline. Not counted in ClinVar's aggregate classification.
Comment: This variant is classified as likely benign based on ACMG/AMP sequence variant interpretation guidelines (Richards et al. 2015 PMID: 25741868, with internal and published modifications).